The following is an entry in ClinVar:

ClinVar aggregate classification (germline): Conflicting classifications of pathogenicity. Review status: criteria provided, conflicting classifications (1 of 4 stars). 3 submissions from 3 submitters: Pathogenic (1); Uncertain significance (2). Last evaluated 2026-01-12.

Conditions:
Familial thoracic aortic aneurysm and aortic dissection (TAAD). Also called: Thoracic aortic aneurysms and dissections. Identifiers: Orphanet 91387, MedGen C4707243, MONDO:0019625.
Congenital contractural arachnodactyly (CCA). Also called: Beals-Hecht syndrome; BEALS SYNDROME; Arthrogryposis, distal, type 9. Identifiers: Orphanet 115, MedGen C0220668, MONDO:0007363, OMIM 121050.

Submissions (3):

Labcorp Genetics (formerly Invitae), Labcorp
Classification: Pathogenic for Congenital contractural arachnodactyly. Last evaluated: 2026-01-12. Review status: criteria provided, single submitter. Criteria: Invitae Variant Classification Sherloc (09022015). Collection method: clinical testing. Allele origin: germline.
Comment: This sequence change replaces cysteine, which is neutral and slightly polar, with arginine, which is basic and polar, at codon 907 of the FBN2 protein (p.Cys907Arg). This variant is not present in population databases (gnomAD no frequency). This missense change has been observed in individual(s) with clinical features of FBN2-related conditions (internal data). It has also been observed to segregate with disease in related individuals. ClinVar contains an entry for this variant (Variation ID: 213393). Invitae Evidence Modeling of protein sequence and biophysical properties (such as structural, functional, and spatial information, amino acid conservation, physicochemical variation, residue mobility, and thermodynamic stability) indicates that this missense variant is expected to disrupt FBN2 protein function with a positive predictive value of 80%. For these reasons, this variant has been classified as Pathogenic.

Ambry Genetics
Classification: Uncertain significance for Familial thoracic aortic aneurysm and aortic dissection. Last evaluated: 2025-10-15. Review status: criteria provided, single submitter. Criteria: Ambry Variant Classification Scheme 2023. Collection method: clinical testing. Allele origin: germline.
Comment: The c.2719T>C (p.C907R) alteration is located in exon 21 (coding exon 21) of the FBN2 gene. This alteration results from a T to C substitution at nucleotide position 2719, causing the cysteine (C) at amino acid position 907 to be replaced by an arginine (R). This variant was not reported in population-based cohorts in the Genome Aggregation Database (gnomAD). This variant was reported in individual(s) with features consistent with Congenital contractural arachnodactyly (external communication). This amino acid position is highly conserved in available vertebrate species. Based on internal structural analysis, this variant is moderately destabilizing to the local structure. This alteration is predicted to be deleterious by in silico analysis. Based on insufficient or conflicting evidence, the clinical significance of this alteration remains unclear.

GeneDx
Classification: Uncertain significance. Last evaluated: 2015-08-18. Review status: criteria provided, single submitter. Criteria: GeneDx Variant Classification (06012015). Collection method: clinical testing. Allele origin: germline. Affected: yes.
Comment: The C907R variant has not been published as a mutation or been reported as a benign polymorphism to our knowledge. The C907R variant was not observed in approximately 6,500 individuals of European and African American ancestry in the NHLBI Exome Sequencing Project, indicating it is not a common benign variant in these populations. Located in the TGF-beta binding 4 domain of FBN2, the C907R variant is a non-conservative amino acid substitution, which is likely to impact secondary protein structure as these residues differ in polarity, charge, size and/or other properties. This substitution occurs at a position that is conserved across species. In silico analysis predicts this variant is probably damaging to the protein structure/function. However, no missense mutations in nearby residues have been reported in association with CCA. Therefore, based on the clinical and molecular information available, we cannot definitively determine if C907R is a disease-causing mutation or a rare benign variant.This variant was found in TAAD,FBN2

NM_001999.4(FBN2):c.2719T>C (p.Cys907Arg)

Gene: FBN2 (fibrillin 2; minus strand). Cytogenetic location: 5q23.3.
Variant type: single nucleotide variant.
Coding change: c.2719T>C on transcript NM_001999.4 (MANE Select); coding-DNA position 2719, T replaced by C.
Protein change: p.Cys907Arg; replaces cysteine 907 with arginine.
Molecular consequence: missense variant.
Genome position (GRCh38, 1-based): chr5:128,350,961, A>G on the plus strand (T>C on the coding strand, the complement: FBN2 is on the minus strand). VCF-style: chr5-128350961-A-G. GRCh37 (hg19) VCF-style: chr5-127686653-A-G.
Other names: short protein forms C907R.
Identifiers: ClinVar variation 213393 (VCV000213393.9), dbSNP rs863223599, ClinGen allele CA323568.